The following is an entry in ClinVar:

ClinVar aggregate classification (germline): Uncertain significance. Review status: criteria provided, multiple submitters, no conflicts (2 of 4 stars). 2 submissions from 2 submitters: Uncertain significance (2). Last evaluated 2025-08-11.

Conditions:
Cardiovascular phenotype. Identifiers: MedGen CN230736.
Cardiomyopathy (CMYO). Also called: Cardiomyopathies. Identifiers: Orphanet 167848, MedGen C0878544, MONDO:0004994, HP:0001638. Inheritance: Various modes of inheritance.

Submissions (2):

Ambry Genetics
Classification: Uncertain significance for Cardiovascular phenotype. Last evaluated: 2025-08-11. Review status: criteria provided, single submitter. Criteria: Ambry Variant Classification Scheme 2023. Collection method: clinical testing. Allele origin: germline.
Comment: The c.327_332dupCCCTGC variant (also known as p.P110_A111dup), located in coding exon 3 of the MYBPC3 gene, results from an in-frame duplication of CCCTGC at nucleotide positions 327 to 332. This results in the duplication of 2 extra residues (PA) between codons 110 and 111. This amino acid region is not well conserved in available vertebrate species. In addition, this variant is predicted to be neutral by in silico analysis (Choi Y et al. PLoS ONE. 2012; 7(10):e46688). Based on the available evidence, the clinical significance of this variant remains unclear.

Color Diagnostics, LLC DBA Color Health
Classification: Uncertain significance for Cardiomyopathy. Last evaluated: 2019-04-08. Review status: criteria provided, single submitter. Criteria: ACMG Guidelines, 2015. Collection method: clinical testing. Allele origin: germline.
Comment: This variant is an in-frame insertion of Proline and Alanine following Pro-Ala-Pro-Ala sequence in a Proline-rich region of the MYBPC3 protein. To our knowledge, functional assays have not been performed for this variant nor has the variant been reported in individuals affected with cardiomyopathy in the literature. Computational splicing tools suggest that this variant may not impact RNA splicing. This variant has not been identified in the general population by the Genome Aggregation Database (gnomAD). Available evidence is insufficient to determine the role of this variant in disease conclusively. Therefore, this variant is classified as a Variant of Uncertain Significance.

NM_000256.3(MYBPC3):c.315CCCTGC[4] (p.106PA[4])

Gene: MYBPC3 (myosin binding protein C3; minus strand). Cytogenetic location: 11p11.2.
Variant type: Microsatellite.
Coding change: c.315CCCTGC[4] on transcript NM_000256.3 (MANE Select); four copies in a row of the 6-base unit CCCTGC starting at c.315; the reference has three copies in a row; one copy, 6 bases duplicated; also written c.327_332dup.
Protein change: p.106PA[4].
Molecular consequence: inframe insertion.
Genome position (GRCh38, 1-based): chr11:47,350,576-47,350,581, GCAGGG duplicated on the plus strand (CCCTGC on the coding strand, the reverse complement: MYBPC3 is on the minus strand); duplicating any 6 consecutive bases within chr11:47,350,576-47,350,595 gives the same sequence; the position shown is the placement nearest the transcript's 3' end. VCF-style (leftmost placement, unchanged base first): chr11-47350575-A-AGCAGGG. GRCh37 (hg19) VCF-style: chr11-47372126-A-AGCAGGG.
Other names: c.327_332dupCCCTGC (NM_000256.3); c.327_332dup (NM_000256.3).
Identifiers: ClinVar variation 629972 (VCV000629972.5), dbSNP rs1216799257, ClinGen allele CA913188357.